The following is an entry in ClinVar:

NM_004360.5(CDH1):c.89del (p.Pro30fs)

Gene: CDH1 (cadherin 1; plus strand). Cytogenetic location: 16q22.1.
Variant type: Deletion.
Coding change: c.89del on transcript NM_004360.5 (MANE Select); coding-DNA position 89, one base deleted (C; older notation c.89delC).
Protein change: p.Pro30fs; shifts the reading frame from proline 30.
Molecular consequence: frameshift variant. On other transcripts: 5 prime UTR variant (2).
Genome position (GRCh38, 1-based): chr16:68,738,337, C deleted; the last of 3 consecutive C bases (chr16:68,738,335-68,738,337); deleting any one gives the same sequence. VCF-style (leftmost placement, unchanged base first): chr16-68738334-AC-A. GRCh37 (hg19) VCF-style: chr16-68772237-AC-A.
Other names: c.89del, p.Pro30fs (NM_001317184.2); c.-1527del (NM_001317185.2); c.-1731del (NM_001317186.2); short protein forms P30fs.
Identifiers: ClinVar variation 4632767 (VCV004632767.1).

ClinVar aggregate classification (germline): Pathogenic (1 of 4 stars; one submission).

Conditions:
Hereditary cancer-predisposing syndrome. Also called: Neoplastic Syndromes, Hereditary; Tumor predisposition; Hereditary Cancer Syndrome; Hereditary neoplastic syndrome. Identifiers: Orphanet 140162, MedGen C0027672, MeSH D009386, MONDO:0015356.

Submission:

Ambry Genetics
Classification: Pathogenic for Hereditary cancer-predisposing syndrome. Last evaluated: 2025-11-26. Review status: criteria provided, single submitter. Criteria: Ambry Variant Classification Scheme 2023. Collection method: clinical testing. Allele origin: germline.
Comment: The c.89delC pathogenic mutation, located in coding exon 2 of the CDH1 gene, results from a deletion of one nucleotide at nucleotide position 89, causing a translational frameshift with a predicted alternate stop codon (p.P30Lfs*26). This alteration is expected to result in loss of function by premature protein truncation or nonsense-mediated mRNA decay. As such, this alteration is interpreted as a disease-causing mutation.